The following is an entry in ClinVar:

NM_001447.3(FAT2):c.7385G>A (p.Arg2462Gln)

Genes: FAT2 (FAT atypical cadherin 2; minus strand), SLC36A1 (solute carrier family 36 member 1; plus strand). Cytogenetic location: 5q33.1.
Variant type: single nucleotide variant.
Coding change: c.7385G>A on transcript NM_001447.3 (MANE Select); coding-DNA position 7385, G replaced by A.
Protein change: p.Arg2462Gln; replaces arginine 2462 with glutamine.
Molecular consequence: missense variant.
Genome position (GRCh38, 1-based): chr5:151,543,742, C>T on the plus strand (G>A on the coding strand, the complement: FAT2 is on the minus strand). VCF-style: chr5-151543742-C-T. GRCh37 (hg19) VCF-style: chr5-150923303-C-T.
Other names: short protein forms R2462Q.
Identifiers: ClinVar variation 2080475 (VCV002080475.4), dbSNP rs752061505, ClinGen allele CA3520972.

ClinVar aggregate classification (germline): Uncertain significance (1 of 4 stars; one submission).

Allele frequency attached by ClinVar (database versions not stated): gnomAD exomes 0.00001; ExAC 0.00001.
gnomAD v4.1: 11 of 1,614,136 alleles (0.00068%); highest among the groups gnomAD compares: South Asian, 0.0033%; no homozygotes.

Submission:

Labcorp Genetics (formerly Invitae), Labcorp
Classification: Uncertain significance. Last evaluated: 2024-11-05. Review status: criteria provided, single submitter. Criteria: Invitae Variant Classification Sherloc (09022015). Collection method: clinical testing. Allele origin: germline.
Comment: This sequence change replaces arginine, which is basic and polar, with glutamine, which is neutral and polar, at codon 2462 of the FAT2 protein (p.Arg2462Gln). This variant is present in population databases (rs752061505, gnomAD 0.006%). This variant has not been reported in the literature in individuals affected with FAT2-related conditions. ClinVar contains an entry for this variant (Variation ID: 2080475). An algorithm developed to predict the effect of missense changes on protein structure and function outputs the following: PolyPhen-2: "Benign". The glutamine amino acid residue is found in multiple mammalian species, which suggests that this missense change does not adversely affect protein function. In summary, the available evidence is currently insufficient to determine the role of this variant in disease. Therefore, it has been classified as a Variant of Uncertain Significance.